The following is an entry in ClinVar:

NM_005378.6(MYCN):c.1093C>G (p.Pro365Ala)

Gene: MYCN (MYCN proto-oncogene, bHLH transcription factor; plus strand). Cytogenetic location: 2p24.3.
Variant type: single nucleotide variant.
Coding change: c.1093C>G on transcript NM_005378.6 (MANE Select); coding-DNA position 1093, C replaced by G.
Protein change: p.Pro365Ala; replaces proline 365 with alanine.
Molecular consequence: missense variant. On other transcripts: 3 prime UTR variant (1).
Genome position (GRCh38, 1-based): chr2:15,945,795, C>G. VCF-style: chr2-15945795-C-G. GRCh37 (hg19) VCF-style: chr2-16085917-C-G.
Other names: c.1093C>G, p.Pro365Ala (NM_001293228.2); c.460C>G, p.Pro154Ala (NM_001293231.2); c.*1028C>G (NM_001293233.2); c.1093C>G (NM_005378.5); short protein forms P365A, P154A.
Identifiers: ClinVar variation 502640 (VCV000502640.48), dbSNP rs140276895, ClinGen allele CA1538318.

ClinVar aggregate classification (germline): Benign/Likely benign. Review status: criteria provided, multiple submitters, no conflicts (2 of 4 stars). 7 submissions from 7 submitters: Benign (1); Likely benign (5). 1 of the submissions does not count toward it. Last evaluated 2026-07-01.

Conditions:
MYCN-related disorder. Also called: MYCN-related condition.

Allele frequency attached by ClinVar (database versions not stated): gnomAD 0.00022; TOPMed 0.00030; ESP Exome Variant Server 0.00038; 1000 Genomes Project 30x 0.00078; 1000 Genomes Project 0.00080; ExAC 0.00114.
gnomAD v4.1: 997 of 1,614,070 alleles (0.062%); highest among the groups gnomAD compares: Middle Eastern, 0.38%; 3 homozygotes.

Submissions (7):

CeGaT Center for Human Genetics Tuebingen
Classification: Likely benign. Last evaluated: 2026-07-01. Review status: criteria provided, single submitter. Criteria: CeGaT Center For Human Genetics Tuebingen Variant Classification Criteria Version 2. Collection method: clinical testing. Allele origin: germline. Affected: yes. Observed: 7 variant alleles.
Comment: MYCN: BP4, BS1

Labcorp Genetics (formerly Invitae), Labcorp
Classification: Benign. Last evaluated: 2026-01-26. Review status: criteria provided, single submitter. Criteria: Invitae Variant Classification Sherloc (09022015). Collection method: clinical testing. Allele origin: germline.

Blueprint Genetics
Classification: Likely benign. Last evaluated: 2024-08-21. Review status: criteria provided, single submitter. Criteria: ACMG Guidelines, 2015. Collection method: clinical testing. Allele origin: germline.

GeneDx
Classification: Likely benign. Last evaluated: 2020-02-06. Review status: criteria provided, single submitter. Criteria: GeneDx Variant Classification Process June 2021. Collection method: clinical testing. Allele origin: germline. Affected: yes.

Eurofins Ntd Llc (ga)
Classification: Likely benign. Last evaluated: 2017-06-26. Review status: criteria provided, single submitter. Criteria: EGL Classification Definitions 2015. Collection method: clinical testing. Allele origin: germline. Observed: 1 variant allele, 1 heterozygote.

Breakthrough Genomics
Classification: Likely benign. Review status: criteria provided, single submitter. Criteria: ACMG Guidelines, 2015. Collection method: not provided. Allele origin: germline. Inheritance: Autosomal dominant inheritance. Affected: yes.

PreventionGenetics, part of Exact Sciences
Classification: Likely benign for MYCN-related condition. Last evaluated: 2019-03-26. Review status: no assertion criteria provided. Collection method: clinical testing. Allele origin: germline. Not counted in ClinVar's aggregate classification.
Comment: This variant is classified as likely benign based on ACMG/AMP sequence variant interpretation guidelines (Richards et al. 2015 PMID: 25741868, with internal and published modifications).